The following is an entry in ClinVar:

ClinVar aggregate classification (germline): Uncertain significance (1 of 4 stars; one submission).

Conditions:
Congenital contractural arachnodactyly (CCA). Also called: Arthrogryposis, distal, type 9; BEALS SYNDROME; Beals-Hecht syndrome. Identifiers: Orphanet 115, MedGen C0220668, MONDO:0007363, OMIM 121050.

Submission:

Labcorp Genetics (formerly Invitae), Labcorp
Classification: Uncertain significance for Congenital contractural arachnodactyly. Last evaluated: 2021-02-22. Review status: criteria provided, single submitter. Criteria: Invitae Variant Classification Sherloc (09022015). Collection method: clinical testing. Allele origin: germline.
Comment: This variant has not been reported in the literature in individuals with FBN2-related conditions. This variant is not present in population databases (ExAC no frequency). This sequence change replaces proline with leucine at codon 35 of the FBN2 protein (p.Pro35Leu). The proline residue is moderately conserved and there is a moderate physicochemical difference between proline and leucine. In summary, the available evidence is currently insufficient to determine the role of this variant in disease. Therefore, it has been classified as a Variant of Uncertain Significance. Advanced modeling of protein sequence and biophysical properties (such as structural, functional, and spatial information, amino acid conservation, physicochemical variation, residue mobility, and thermodynamic stability) performed at Invitae indicates that this missense variant is not expected to disrupt FBN2 protein function.

NM_001999.4(FBN2):c.104C>T (p.Pro35Leu)

Gene: FBN2 (fibrillin 2; minus strand). Cytogenetic location: 5q23.3.
Variant type: single nucleotide variant.
Coding change: c.104C>T on transcript NM_001999.4 (MANE Select); coding-DNA position 104, C replaced by T.
Protein change: p.Pro35Leu; replaces proline 35 with leucine.
Molecular consequence: missense variant.
Genome position (GRCh38, 1-based): chr5:128,537,500, G>A on the plus strand (C>T on the coding strand, the complement: FBN2 is on the minus strand). VCF-style: chr5-128537500-G-A. GRCh37 (hg19) VCF-style: chr5-127873193-G-A.
Other names: short protein forms P35L.
Identifiers: ClinVar variation 1411320 (VCV001411320.8), dbSNP rs2112810970, ClinGen allele CA360762857.